The following is an entry in ClinVar:

ClinVar aggregate classification (germline): Uncertain significance. Review status: criteria provided, multiple submitters, no conflicts (2 of 4 stars). 2 submissions from 2 submitters: Uncertain significance (2). Last evaluated 2025-02-19.

Conditions:
Inborn genetic diseases. Identifiers: MedGen C0950123, MeSH D030342.

Allele frequency attached by ClinVar (database versions not stated): ExAC 0.00001; gnomAD 0.00001; gnomAD exomes 0.00001; TOPMed 0.00002; ESP Exome Variant Server 0.00008.
gnomAD v4.1: 10 of 1,595,930 alleles (0.00063%); highest among the groups gnomAD compares: Non-Finnish European, 0.00085%; no homozygotes.

Submissions (2):

Ambry Genetics
Classification: Uncertain significance for Inborn genetic diseases. Last evaluated: 2025-02-19. Review status: criteria provided, single submitter. Criteria: Ambry Variant Classification Scheme 2023. Collection method: clinical testing. Allele origin: germline.

Labcorp Genetics (formerly Invitae), Labcorp
Classification: Uncertain significance. Last evaluated: 2023-08-17. Review status: criteria provided, single submitter. Criteria: Invitae Variant Classification Sherloc (09022015). Collection method: clinical testing. Allele origin: germline.
Comment: In summary, the available evidence is currently insufficient to determine the role of this variant in disease. Therefore, it has been classified as a Variant of Uncertain Significance. An algorithm developed to predict the effect of missense changes on protein structure and function (PolyPhen-2) suggests that this variant is likely to be tolerated. ClinVar contains an entry for this variant (Variation ID: 1928058). This variant has not been reported in the literature in individuals affected with NAA15-related conditions. This variant is present in population databases (rs202141041, gnomAD 0.002%). This sequence change replaces methionine, which is neutral and non-polar, with valine, which is neutral and non-polar, at codon 464 of the NAA15 protein (p.Met464Val).

NM_057175.5(NAA15):c.1390A>G (p.Met464Val)

Gene: NAA15 (N-alpha-acetyltransferase 15, NatA auxiliary subunit; plus strand). Cytogenetic location: 4q31.1.
Variant type: single nucleotide variant.
Coding change: c.1390A>G on transcript NM_057175.5 (MANE Select); coding-DNA position 1390, A replaced by G.
Protein change: p.Met464Val; replaces methionine 464 with valine.
Molecular consequence: missense variant.
Genome position (GRCh38, 1-based): chr4:139,359,875, A>G. VCF-style: chr4-139359875-A-G. GRCh37 (hg19) VCF-style: chr4-140281029-A-G.
Other names: c.1390A>G, p.Met464Val (NM_001410842.1, NM_025085.2); c.1390A>G (NM_057175.3); short protein forms M464V.
Identifiers: ClinVar variation 1928058 (VCV001928058.6), dbSNP rs202141041, ClinGen allele CA3083619.